The following is an entry in ClinVar:

ClinVar aggregate classification (germline): Likely benign (0 of 4 stars; one submission).

Conditions:
SLC27A5-related disorder. Also called: SLC27A5-related condition.

Submission:

PreventionGenetics, part of Exact Sciences
Classification: Likely benign for SLC27A5-related condition. Last evaluated: 2023-08-17. Review status: no assertion criteria provided. Collection method: clinical testing. Allele origin: germline.
Comment: This variant is classified as likely benign based on ACMG/AMP sequence variant interpretation guidelines (Richards et al. 2015 PMID: 25741868, with internal and published modifications).

NM_012254.3(SLC27A5):c.453G>C (p.Arg151=)

Gene: SLC27A5 (solute carrier family 27 member 5; minus strand). Cytogenetic location: 19q13.43.
Variant type: single nucleotide variant.
Coding change: c.453G>C on transcript NM_012254.3 (MANE Select); coding-DNA position 453, G replaced by C.
Protein change: p.Arg151=; no amino-acid change (arginine 151 retained).
Molecular consequence: synonymous variant. On other transcripts: intron variant (1).
Genome position (GRCh38, 1-based): chr19:58,511,503, C>G on the plus strand (G>C on the coding strand, the complement: SLC27A5 is on the minus strand). VCF-style: chr19-58511503-C-G. GRCh37 (hg19) VCF-style: chr19-59022870-C-G.
Other names: c.436+17G>C (NM_001321196.2).
Identifiers: ClinVar variation 3050645 (VCV003050645.2), dbSNP rs1371022832, ClinGen allele CA509537188.